The following is an entry in ClinVar:

ClinVar aggregate classification (germline): Uncertain significance (1 of 4 stars; one submission).

gnomAD v4.1: 11 of 1,612,324 alleles (0.00068%); highest among the groups gnomAD compares: Non-Finnish European, 0.00093%; no homozygotes.

Submission:

Labcorp Genetics (formerly Invitae), Labcorp
Classification: Uncertain significance. Last evaluated: 2025-08-18. Review status: criteria provided, single submitter. Criteria: Invitae Variant Classification Sherloc (09022015). Collection method: clinical testing. Allele origin: germline.
Comment: This sequence change replaces leucine, which is neutral and non-polar, with phenylalanine, which is neutral and non-polar, at codon 590 of the TCF3 protein (p.Leu590Phe). This variant is present in population databases (rs561357157, gnomAD 0.0009%). This variant has not been reported in the literature in individuals affected with TCF3-related conditions. Invitae Evidence Modeling of protein sequence and biophysical properties (such as structural, functional, and spatial information, amino acid conservation, physicochemical variation, residue mobility, and thermodynamic stability) indicates that this missense variant is expected to disrupt TCF3 protein function with a positive predictive value of 80%. In summary, the available evidence is currently insufficient to determine the role of this variant in disease. Therefore, it has been classified as a Variant of Uncertain Significance.

NM_003200.5(TCF3):c.1768C>T (p.Leu590Phe)

Gene: TCF3 (transcription factor 3; minus strand). Cytogenetic location: 19p13.3.
Variant type: single nucleotide variant.
Coding change: c.1768C>T on transcript NM_003200.5 (MANE Select); coding-DNA position 1768, C replaced by T.
Protein change: p.Leu590Phe; replaces leucine 590 with phenylalanine.
Molecular consequence: missense variant. On other transcripts: intron variant (2).
Genome position (GRCh38, 1-based): chr19:1,615,339, G>A on the plus strand (C>T on the coding strand, the complement: TCF3 is on the minus strand). VCF-style: chr19-1615339-G-A. GRCh37 (hg19) VCF-style: chr19-1615338-G-A.
Other names: c.1765C>T, p.Leu589Phe (NM_001351778.2); c.1586+347C>T (NM_001136139.4, NM_001351779.2); short protein forms L589F, L590F.
Identifiers: ClinVar variation 4752507 (VCV004752507.1).